The following is an entry in ClinVar:

ClinVar aggregate classification (germline): Uncertain significance. Review status: criteria provided, multiple submitters, no conflicts (2 of 4 stars). 2 submissions from 2 submitters: Uncertain significance (2). Last evaluated 2024-11-23.

Conditions:
Andersen Tawil syndrome (LQT7). Also called: Andersen Syndrome; ANDERSEN CARDIODYSRHYTHMIC PERIODIC PARALYSIS; Potassium-sensitive periodic paralysis, ventricular ectopy, and dysmorphic features; LONG QT SYNDROME 7; PERIODIC PARALYSIS, POTASSIUM-SENSITIVE CARDIODYSRHYTHMIC TYPE. Identifiers: Orphanet 37553, MedGen C1563715, MONDO:0008222, OMIM 170390.
Short QT syndrome type 3. Identifiers: Orphanet 51083, MedGen C1865018, MONDO:0012314, OMIM 609622.

Allele frequency attached by ClinVar (database versions not stated): gnomAD exomes 0.00001; ExAC 0.00002.

Submissions (2):

Labcorp Genetics (formerly Invitae), Labcorp
Classification: Uncertain significance for Short QT syndrome type 3; Andersen Tawil syndrome. Last evaluated: 2024-11-23. Review status: criteria provided, single submitter. Criteria: Invitae Variant Classification Sherloc (09022015). Collection method: clinical testing. Allele origin: germline.
Comment: This sequence change replaces serine, which is neutral and polar, with leucine, which is neutral and non-polar, at codon 425 of the KCNJ2 protein (p.Ser425Leu). This variant is present in population databases (rs768959311, gnomAD 0.002%). This variant has not been reported in the literature in individuals affected with KCNJ2-related conditions. ClinVar contains an entry for this variant (Variation ID: 2506639). Invitae Evidence Modeling of protein sequence and biophysical properties (such as structural, functional, and spatial information, amino acid conservation, physicochemical variation, residue mobility, and thermodynamic stability) indicates that this missense variant is expected to disrupt KCNJ2 protein function with a positive predictive value of 95%. Experimental studies have shown that this missense change affects KCNJ2 function (PMID: 23929001). In summary, the available evidence is currently insufficient to determine the role of this variant in disease. Therefore, it has been classified as a Variant of Uncertain Significance.

GeneDx
Classification: Uncertain significance. Last evaluated: 2022-12-22. Review status: criteria provided, single submitter. Criteria: GeneDx Variant Classification Process June 2021. Collection method: clinical testing. Allele origin: germline. Affected: yes.
Comment: Has not been previously published as pathogenic or benign in association with a KCNJ2-related disorder to our knowledge; Not observed at significant frequency in large population cohorts (gnomAD); In silico analysis supports that this missense variant does not alter protein structure/function; This variant is associated with the following publications: (PMID: 23929001)

Literature cited by the submitters: PubMed 23929001 (cited by Labcorp Genetics (formerly Invitae), Labcorp).

NM_000891.3(KCNJ2):c.1274C>T (p.Ser425Leu)

Gene: KCNJ2 (potassium inwardly rectifying channel subfamily J member 2; plus strand). Cytogenetic location: 17q24.3.
Variant type: single nucleotide variant.
Coding change: c.1274C>T on transcript NM_000891.3 (MANE Select); coding-DNA position 1274, C replaced by T.
Protein change: p.Ser425Leu; replaces serine 425 with leucine.
Molecular consequence: missense variant.
Genome position (GRCh38, 1-based): chr17:70,176,313, C>T. VCF-style: chr17-70176313-C-T. GRCh37 (hg19) VCF-style: chr17-68172454-C-T.
Other names: short protein forms S425L.
Identifiers: ClinVar variation 2506639 (VCV002506639.3), dbSNP rs768959311, ClinGen allele CA8738818.